The following is an entry in ClinVar:

NM_007294.4(BRCA1):c.5281T>G (p.Phe1761Val)

Gene: BRCA1 (BRCA1 DNA repair associated; minus strand). Cytogenetic location: 17q21.31.
Variant type: single nucleotide variant.
Coding change: c.5281T>G on transcript NM_007294.4 (MANE Select); coding-DNA position 5281, T replaced by G.
Protein change: p.Phe1761Val; replaces phenylalanine 1761 with valine.
Molecular consequence: missense variant. On other transcripts: non-coding transcript variant (1).
Genome position (GRCh38, 1-based): chr17:43,051,114, A>C on the plus strand (T>G on the coding strand, the complement: BRCA1 is on the minus strand). VCF-style: chr17-43051114-A-C. GRCh37 (hg19) VCF-style: chr17-41203131-A-C.
Other names: c.5137T>G, p.Phe1713Val (NM_001407737.1, NM_001407738.1, NM_001407739.1 and 21 more transcripts); c.5134T>G, p.Phe1712Val (NM_001407842.1, NM_001407843.1, NM_001407844.1 and 12 more transcripts); c.5074T>G, p.Phe1692Val (NM_001407874.1, NM_001407875.1); c.5071T>G, p.Phe1691Val (NM_001407879.1, NM_001407881.1, NM_001407882.1 and 5 more transcripts); c.5068T>G, p.Phe1690Val (NM_001407906.1, NM_001407907.1, NM_001407908.1 and 12 more transcripts); c.5065T>G, p.Phe1689Val (NM_001407915.1, NM_001407916.1, NM_001407917.1 and 1 more transcripts); c.5014T>G, p.Phe1672Val (NM_001407930.1, NM_001407931.1, NM_001407932.1 and 4 more transcripts); c.5011T>G, p.Phe1671Val (NM_001407934.1, NM_001407935.1, NM_001407936.1); and 72 more; short protein forms F1761V, F1714V, F1782V, F657V, F1592V, F1648V, F1689V, F1692V.
Identifiers: ClinVar variation 867341 (VCV000867341.3), dbSNP rs1567760717, ClinGen allele CA10590982.

Conditions:
Breast-ovarian cancer, familial, susceptibility to, 1 (BROVCA1). Also called: BRCA1 Hereditary Breast and Ovarian Cancer; OVARIAN CANCER, SUSCEPTIBILITY TO. Identifiers: Orphanet 145, MedGen C2676676, MONDO:0011450, OMIM 604370. Disease mechanism: loss of function.

Submission:

Brotman Baty Institute, University of Washington
No classification provided (evidence only). Condition: Breast-ovarian cancer, familial 1. Review status: no classification provided. Collection method: in vitro. Allele origin: not applicable. Functional consequence: functionally_abnormal.
ClinVar note: "not provided" was previously submitted as the classification for the variant. However, the classification appeared to be based only on an observation of functional data so it was converted to no classification on 2025-07-30.